The following is an entry in ClinVar:

NM_015135.3(NUP205):c.4479+9A>G

Gene: NUP205 (nucleoporin 205; plus strand). Cytogenetic location: 7q33.
Variant type: single nucleotide variant.
Coding change: c.4479+9A>G on transcript NM_015135.3 (MANE Select); 9 bases into the intron after coding-DNA position 4479, A replaced by G.
Molecular consequence: intron variant.
Genome position (GRCh38, 1-based): chr7:135,622,934, A>G. VCF-style: chr7-135622934-A-G. GRCh37 (hg19) VCF-style: chr7-135307682-A-G.
Other names: c.3405+9A>G (NM_001329434.2).
Identifiers: ClinVar variation 3028986 (VCV003028986.4), dbSNP rs765594293, ClinGen allele CA4498889.
Genomic context (GRCh38, chr7:135,622,934, plus strand): 5'-CCTCATGGAAGTGGTCTGTCGAGATGCTTGTGATGGTCATGAGATTGGAAGGGTAAAGCA[A>G]CTCTTATTTAGTATTATAATTGAATAAGTATTTTGACTTATTAAGGTATAAACTGATTCA-3'

ClinVar aggregate classification (germline): Likely benign. Review status: criteria provided, single submitter (1 of 4 stars). 2 submissions from 2 submitters: Likely benign (1). 1 of the submissions does not count toward it. Last evaluated 2024-02-23.

Conditions:
NUP205-related disorder. Also called: NUP205-related condition.

Allele frequency attached by ClinVar (database versions not stated): TOPMed below 0.00001; gnomAD 0.00001; ExAC 0.00002.
gnomAD v4.1: 5 of 1,611,538 alleles (0.00031%); highest among the groups gnomAD compares: African/African-American, 0.0027%; no homozygotes.

Submissions (2):

Labcorp Genetics (formerly Invitae), Labcorp
Classification: Likely benign. Last evaluated: 2024-02-23. Review status: criteria provided, single submitter. Criteria: Invitae Variant Classification Sherloc (09022015). Collection method: clinical testing. Allele origin: germline.

PreventionGenetics, part of Exact Sciences
Classification: Likely benign for NUP205-related condition. Last evaluated: 2021-10-13. Review status: no assertion criteria provided. Collection method: clinical testing. Allele origin: germline. Not counted in ClinVar's aggregate classification.
Comment: This variant is classified as likely benign based on ACMG/AMP sequence variant interpretation guidelines (Richards et al. 2015 PMID: 25741868, with internal and published modifications).